The following is an entry in ClinVar:

ClinVar aggregate classification (germline): Uncertain significance. Review status: criteria provided, multiple submitters, no conflicts (2 of 4 stars). 2 submissions from 2 submitters: Uncertain significance (2). Last evaluated 2024-05-28.

Conditions:
Peripheral neuropathy. Also called: Neuropathy. Identifiers: MedGen C0031117, MONDO:0005244, HP:0009830.

Allele frequency attached by ClinVar (database versions not stated): gnomAD 0.00006 and 0.00007; gnomAD exomes 0.00017; ExAC 0.00019; TOPMed 0.00021.
gnomAD v4.1: 88 of 1,613,506 alleles (0.0055%); highest among the groups gnomAD compares: Admixed American, 0.07%; 1 homozygote.

Submissions (2):

Ambry Genetics
Classification: Uncertain significance. Last evaluated: 2024-05-28. Review status: criteria provided, single submitter. Criteria: Ambry Variant Classification Scheme 2023. Collection method: clinical testing. Allele origin: germline.

Labcorp Genetics (formerly Invitae), Labcorp
Classification: Uncertain significance for Peripheral neuropathy. Last evaluated: 2021-09-02. Review status: criteria provided, single submitter. Criteria: Invitae Variant Classification Sherloc (09022015). Collection method: clinical testing. Allele origin: germline.
Comment: This sequence change replaces arginine with glutamine at codon 586 of the FLRT1 protein (p.Arg586Gln). The arginine residue is moderately conserved and there is a small physicochemical difference between arginine and glutamine. This variant is present in population databases (rs762387650, ExAC 0.2%). This variant has not been reported in the literature in individuals affected with FLRT1-related conditions. Algorithms developed to predict the effect of missense changes on protein structure and function output the following: SIFT: "Tolerated"; PolyPhen-2: "Benign"; Align-GVGD: "Class C0". The glutamine amino acid residue is found in multiple mammalian species, which suggests that this missense change does not adversely affect protein function. In summary, the available evidence is currently insufficient to determine the role of this variant in disease. Therefore, it has been classified as a Variant of Uncertain Significance.

NM_013280.5(FLRT1):c.1757G>A (p.Arg586Gln)

Genes: FLRT1 (fibronectin leucine rich transmembrane protein 1; plus strand), MACROD1 (mono-ADP ribosylhydrolase 1; minus strand). Cytogenetic location: 11q13.1.
Variant type: single nucleotide variant.
Coding change: c.1757G>A on transcript NM_013280.5 (MANE Select); coding-DNA position 1757, G replaced by A.
Protein change: p.Arg586Gln; replaces arginine 586 with glutamine.
Molecular consequence: missense variant. On other transcripts: intron variant (2).
Genome position (GRCh38, 1-based): chr11:64,118,024, G>A. VCF-style: chr11-64118024-G-A. GRCh37 (hg19) VCF-style: chr11-63885496-G-A.
Other names: c.1757G>A, p.Arg586Gln (NM_001384466.1); c.1673G>A, p.Arg558Gln (NM_001423967.1); c.517+33215C>T (NM_001411019.1, NM_014067.4); short protein forms R586Q, R558Q.
Identifiers: ClinVar variation 941259 (VCV000941259.7), dbSNP rs762387650, ClinGen allele CA6067780.
Genomic context (GRCh38, chr11:64,118,024, plus strand): 5'-TCTTCCTGGTCCTGGGGGCCATCTGCTGGTACGTGCACCAGGCTGGCGAGCTGCTGACCC[G>A]GGAGAGGGCCTACAACCGGGGCAGCAGGAAAAAGGATGACTATATGGAGTCAGGGACCAA-3'
Protein context (NP_037412.2, residues 576-596): YVHQAGELLT[Arg586Gln]ERAYNRGSRK